The following is an entry in ClinVar:

ClinVar aggregate classification (germline): Uncertain significance (1 of 4 stars; one submission).

Conditions:
Familial intrahepatic cholestasis. Identifiers: Orphanet 284385, MedGen CN296401, MONDO:0017290.

Submission:

Genomenon, Inc
Classification: Uncertain significance for Familial intrahepatic cholestasis. Last evaluated: 2026-04-14. Review status: criteria provided, single submitter. Criteria: Genomenon Sequence Variant Interpretation Standards - Updated. Collection method: curation. Allele origin: germline. Affected: yes.
Comment: ABCB11 p.Thr1029Lys (c.3086C>A) is a missense variant that changes the amino acid at residue 1029 from Threonine to Lysine. This variant has been observed in at least one proband with an ABCB11-related disorder (PMID:18395098). It is absent or not present at a significant frequency in gnomAD. In silico models predict that this variant is possibly or probably damaging. In conclusion, we classify ABCB11 p.Thr1029Lys (c.3086C>A) as a variant of uncertain significance.

Literature cited by the submitters: PubMed 18395098.

NM_003742.4(ABCB11):c.3086C>A (p.Thr1029Lys)

Gene: ABCB11 (ATP binding cassette subfamily B member 11; minus strand). Cytogenetic location: 2q31.1.
Variant type: single nucleotide variant.
Coding change: c.3086C>A on transcript NM_003742.4 (MANE Select); coding-DNA position 3086, C replaced by A.
Protein change: p.Thr1029Lys; replaces threonine 1029 with lysine.
Molecular consequence: missense variant.
Genome position (GRCh38, 1-based): chr2:168,932,504, G>T on the plus strand (C>A on the coding strand, the complement: ABCB11 is on the minus strand). VCF-style: chr2-168932504-G-T. GRCh37 (hg19) VCF-style: chr2-169789014-G-T.
Other names: short protein forms T1029K.
Identifiers: ClinVar variation 4846183 (VCV004846183.1).
Genomic context (GRCh38, chr2:168,932,504, plus strand): 5'-GCAGCTGATATTTTAGCTTTTGCATAACTTGGGGTGTAAGAGAAGGCTCTTCCAAGAGCT[G>T]TTGCACTCAGTACAACTGCAGAGATCACCCTGTAACCAGACAGACACACAGGAAGAGAGC-3'
Protein context (NP_003733.2, residues 1019-1039): RVISAVVLSA[Thr1029Lys]ALGRAFSYTP